The following is an entry in ClinVar:

ClinVar aggregate classification (germline): Uncertain significance (1 of 4 stars; one submission).

Conditions:
Congenital hyperammonemia, type I. Also called: CPS I DEFICIENCY; Carbamoyl phosphate synthetase 1 deficiency; Hyperammonemia due to carbamoyl phosphate synthetase 1 deficiency; CPS 1 deficiency; Carbamyl phosphate synthetase (CPS) deficiency; Carbamoyl-phosphate synthase I deficiency. Identifiers: Orphanet 147, MedGen C4082171, MONDO:0009376, OMIM 237300.

gnomAD v4.1: 10 of 1,611,390 alleles (0.00062%); highest among the groups gnomAD compares: Non-Finnish European, 0.00076%; no homozygotes.

Submission:

Labcorp Genetics (formerly Invitae), Labcorp
Classification: Uncertain significance for Congenital hyperammonemia, type I. Last evaluated: 2024-06-22. Review status: criteria provided, single submitter. Criteria: Invitae Variant Classification Sherloc (09022015). Collection method: clinical testing. Allele origin: germline.
Comment: This sequence change replaces threonine, which is neutral and polar, with isoleucine, which is neutral and non-polar, at codon 407 of the CPS1 protein (p.Thr407Ile). The frequency data for this variant in the population databases is considered unreliable, as metrics indicate poor data quality at this position in the gnomAD database. This variant has not been reported in the literature in individuals affected with CPS1-related conditions. Advanced modeling of protein sequence and biophysical properties (such as structural, functional, and spatial information, amino acid conservation, physicochemical variation, residue mobility, and thermodynamic stability) performed at Invitae indicates that this missense variant is not expected to disrupt CPS1 protein function with a negative predictive value of 95%. In summary, the available evidence is currently insufficient to determine the role of this variant in disease. Therefore, it has been classified as a Variant of Uncertain Significance.

NM_001875.5(CPS1):c.1220C>T (p.Thr407Ile)

Gene: CPS1 (carbamoyl-phosphate synthase 1; plus strand). Cytogenetic location: 2q34.
Variant type: single nucleotide variant.
Coding change: c.1220C>T on transcript NM_001875.5 (MANE Select); coding-DNA position 1220, C replaced by T.
Protein change: p.Thr407Ile; replaces threonine 407 with isoleucine.
Molecular consequence: missense variant. On other transcripts: non-coding transcript variant (2).
Genome position (GRCh38, 1-based): chr2:210,594,563, C>T. VCF-style: chr2-210594563-C-T. GRCh37 (hg19) VCF-style: chr2-211459287-C-T.
Other names: c.1220C>T, p.Thr407Ile (NM_001122633.3, NM_001369257.1); c.1253C>T, p.Thr418Ile (NM_001369256.1); short protein forms T418I, T407I.
Identifiers: ClinVar variation 3710889 (VCV003710889.2).